The following is an entry in ClinVar:

NM_000092.5(COL4A4):c.559-2A>T

Gene: COL4A4 (collagen type IV alpha 4 chain; minus strand). Cytogenetic location: 2q36.3.
Variant type: single nucleotide variant.
Coding change: c.559-2A>T on transcript NM_000092.5 (MANE Select); the canonical splice acceptor site of the intron before coding-DNA position 559, A replaced by T.
Molecular consequence: splice acceptor variant.
Genome position (GRCh38, 1-based): chr2:227,111,715, T>A on the plus strand (A>T on the coding strand, the complement: COL4A4 is on the minus strand). VCF-style: chr2-227111715-T-A. GRCh37 (hg19) VCF-style: chr2-227976431-T-A.
Other names: c.559-2A>T (NM_000092.4).
Identifiers: ClinVar variation 1346806 (VCV001346806.9), dbSNP rs766243664, ClinGen allele CA2145596.

ClinVar aggregate classification (germline): Pathogenic/Likely pathogenic. Review status: criteria provided, multiple submitters, no conflicts (2 of 4 stars). 3 submissions from 3 submitters: Pathogenic (1); Likely pathogenic (2). Last evaluated 2025-11-04.

Conditions:
Autosomal recessive Alport syndrome (ATS2). Also called: Alport syndrome type 2; ALPORT SYNDROME 2, AUTOSOMAL RECESSIVE; COL4A3-Related Nephropathy; COL4A4 Alport Syndrome and Thin Basement Membrane Nephropathy. Identifiers: Orphanet 63, Orphanet 88919, MedGen C4746745, MONDO:0008762, OMIM 203780.
Hematuria, benign familial, 1 (BFH1). Also called: THIN MEMBRANE NEPHROPATHY. Identifiers: MedGen CN376803, MONDO:0007709, OMIM 141200.
Alport syndrome. Also called: Hemorrhagic familial nephritis; Hemorrhagic hereditary nephritis; Congenital hereditary hematuria. Identifiers: Orphanet 63, MedGen C1567741, MONDO:0018965.

Allele frequency attached by ClinVar (database versions not stated): gnomAD exomes below 0.00001 and 0.00001; ExAC 0.00001.
gnomAD v4.1: 2 of 1,613,914 alleles (0.00012%); highest among the groups gnomAD compares: Admixed American, 0.0033%; no homozygotes.

Submissions (3):

Labcorp Genetics (formerly Invitae), Labcorp
Classification: Pathogenic. Last evaluated: 2025-11-04. Review status: criteria provided, single submitter. Criteria: Invitae Variant Classification Sherloc (09022015). Collection method: clinical testing. Allele origin: germline.
Comment: This sequence change affects an acceptor splice site in intron 8 of the COL4A4 gene. It is expected to disrupt RNA splicing. Variants that disrupt the donor or acceptor splice site typically lead to a loss of protein function (PMID: 16199547), and loss-of-function variants in COL4A4 are known to be pathogenic (PMID: 21196518, 24854265, 25307543). This variant is present in population databases (rs766243664, gnomAD 0.006%). Disruption of this splice site has been observed in individual(s) with Alport syndrome (PMID: 33532864). In at least one individual the data is consistent with being in trans (on the opposite chromosome) from a pathogenic variant. ClinVar contains an entry for this variant (Variation ID: 1346806). Algorithms developed to predict the effect of sequence changes on RNA splicing suggest that this variant may disrupt the consensus splice site. For these reasons, this variant has been classified as Pathogenic.

Natera, Inc.
Classification: Likely pathogenic for Alport syndrome. Last evaluated: 2025-02-03. Review status: criteria provided, single submitter. Criteria: Natera Variant Classification Schema (03/2026). Collection method: clinical testing. Allele origin: germline.
Comment: The c.559-2A>T variant in COL4A4 is a canonical splice acceptor site variant predicted to affect pre-mRNA splicing, which may result in an abnormal transcript and altered protein product. This variant is expected to result in nonsense mediated decay, truncation, or a dysfunctional protein product. This variant is rare in the general population with a frequency below the threshold expected for the associated phenotype(s). Given the available evidence, this variant is classified as Likely Pathogenic.

Fulgent Genetics
Classification: Likely pathogenic for Hematuria, benign familial, 1; Autosomal recessive Alport syndrome. Last evaluated: 2024-02-21. Review status: criteria provided, single submitter. Criteria: ACMG Guidelines, 2015. Collection method: clinical testing. Allele origin: germline.

Literature cited by the submitters: PubMed 16199547 (cited by Labcorp Genetics (formerly Invitae), Labcorp); PubMed 21196518 (cited by Labcorp Genetics (formerly Invitae), Labcorp); PubMed 24854265 (cited by Labcorp Genetics (formerly Invitae), Labcorp); PubMed 25307543 (cited by Labcorp Genetics (formerly Invitae), Labcorp); PubMed 33532864 (cited by Labcorp Genetics (formerly Invitae), Labcorp).